The following is an entry in ClinVar:

NM_003480.4(MFAP5):c.217+10G>A

Gene: MFAP5 (microfibril associated protein 5; minus strand). Cytogenetic location: 12p13.31.
Variant type: single nucleotide variant.
Coding change: c.217+10G>A on transcript NM_003480.4 (MANE Select); 10 bases into the intron after coding-DNA position 217, G replaced by A.
Molecular consequence: intron variant.
Genome position (GRCh38, 1-based): chr12:8,654,427, C>T on the plus strand (G>A on the coding strand, the complement: MFAP5 is on the minus strand). VCF-style: chr12-8654427-C-T. GRCh37 (hg19) VCF-style: chr12-8807023-C-T.
Other names: c.217+10G>A (NM_003480.3, NM_001297712.2, NM_001297709.2); c.181+10G>A (NM_001297710.2); c.172+988G>A (NM_001297711.2).
Identifiers: ClinVar variation 2168410 (VCV002168410.6), dbSNP rs773321613, ClinGen allele CA6434693.

ClinVar aggregate classification (germline): Likely benign. Review status: criteria provided, single submitter (1 of 4 stars). 2 submissions from 2 submitters: Likely benign (1). 1 of the submissions does not count toward it. Last evaluated 2026-02-01.

Conditions:
MFAP5-related disorder. Also called: MFAP5-related condition.

Allele frequency attached by ClinVar (database versions not stated): gnomAD exomes 0.00001; ExAC 0.00002; gnomAD 0.00017; TOPMed 0.00017; 1000 Genomes Project 0.00040; 1000 Genomes Project 30x 0.00047.
gnomAD v4.1: 39 of 1,596,444 alleles (0.0024%); highest among the groups gnomAD compares: African/African-American, 0.045%; no homozygotes.

Submissions (2):

Labcorp Genetics (formerly Invitae), Labcorp
Classification: Likely benign. Last evaluated: 2026-02-01. Review status: criteria provided, single submitter. Criteria: Invitae Variant Classification Sherloc (09022015). Collection method: clinical testing. Allele origin: germline.

PreventionGenetics, part of Exact Sciences
Classification: Likely benign for MFAP5-related condition. Last evaluated: 2021-03-15. Review status: no assertion criteria provided. Collection method: clinical testing. Allele origin: germline. Not counted in ClinVar's aggregate classification.
Comment: This variant is classified as likely benign based on ACMG/AMP sequence variant interpretation guidelines (Richards et al. 2015 PMID: 25741868, with internal and published modifications).